The following continues an entry in ClinVar:

NM_000104.4(CYP1B1):c.171G>A (p.Trp57Ter)

Gene: CYP1B1. ClinVar aggregate classification (germline): Pathogenic. Pathogenic (1).

Submissions 14 to 19 of 19:

Illumina Laboratory Services, Illumina
Classification: Pathogenic for CYP1B1-Related Disorders. Last evaluated: 2017-04-28. Review status: criteria provided, single submitter. Criteria: ICSL Variant Classification Criteria 09 May 2019. Collection method: clinical testing. Allele origin: germline. Not counted in ClinVar's aggregate classification.
Comment: The CYP1B1 c.171G>A (p.Trp57Ter) variant is a stop-gained variant. Across a selection of the available literature, the p.Trp57Ter variant has been reported in at least seven studies in which it was found in a compound heterozygous state in four individuals with Peters anomaly and six individuals with primary congenital glaucoma (including one set of twins), and in a heterozygous state in one individual with pseudoexfoliative glaucoma and two individuals with with juvenile open angle glaucoma, both of whom carried additional variants in another gene. The variant was also reported in a heterozygous state in three unaffected individuals (Vincent et al. 2001; Stoilov et al. 2002; Pasutto et al. 2010; Patel et al. 2012; Lim et al. 2013; Milla et al. 2013; Prokudin et al. 2014). The p.Trp57Ter variant was found in a heterozygous state in three of 1190 control alleles and is reported at a frequency of 0.00072 in the European (non-Finnish) population of the Exome Aggregation Consortium. Due to the potential impact of stop-gained variants and the collective evidence, the p.Trp57Ter variant is classified as pathogenic for CYP1B1-related disorders. This variant was observed by ICSL as part of a predisposition screen in an ostensibly healthy population.

Laboratory for Molecular Medicine, Mass General Brigham Personalized Medicine
Classification: Pathogenic for Glaucoma 3A, primary open angle, congenital, juvenile, or adult onset, Peters anomaly. Last evaluated: 2013-11-26. Review status: criteria provided, single submitter. Criteria: LMM Criteria. Collection method: clinical testing. Allele origin: germline. Inheritance: Autosomal recessive inheritance. Observed: 1 variant allele. Study: CSER-MedSeq. Not counted in ClinVar's aggregate classification.
Comment: The Trp57X variant in CYP1B1 has been previously identified in 1 compound heterozygous individual with Peter's anomaly and secondary congenital glaucoma (Vincent 2001), in 1 heterozygous individual with primary open angle glaucoma (Pasutto 2010), in 1 heterozygous patient with pseudoexfoliative glaucoma (Patel 2012), and was found to segregate with disease in 1 affected relative with primary open angle glaucoma (Patel 2012). This variant has been identified in 2/8428 of European American chromosomes and 2/4298 of African American chromosomes by the NHLBI Exome Sequencing Project (dbSNP rs72549387). Although this variant has been seen in the general population, its frequency is low enough to be consistent with a recessive carrier frequency. This nonsense variant leads to a premature termination codon at position 57, which is predicted to lead to a truncated or absent protein. In summary, this variant meets our criteria to be classified as pathogenic in a recessive manner for primary congenital glaucoma. In addition, one study reported an association between carrier status for pathogenic CYP1B1 variants and risk for adult-onset primary open angle glaucoma (Pasutto 2010). However, this study has not been replicated.

Genomics England Pilot Project, Genomics England
Classification: Pathogenic for Glaucoma 3A. Review status: criteria provided, single submitter. Criteria: ACGS Guidelines, 2016. Collection method: clinical testing. Allele origin: germline. Affected: yes. Not counted in ClinVar's aggregate classification.

Eye Genetics Research Group, Children's Medical Research Institute
Classification: Pathogenic for Anterior segment dysgenesis. Last evaluated: 2020-03-31. Review status: no assertion criteria provided. Collection method: clinical testing. Allele origin: biparental. Affected: yes. Not counted in ClinVar's aggregate classification.

Eye Genetics Research Group, Children's Medical Research Institute
Classification: Pathogenic for Irido-corneo-trabecular dysgenesis. Last evaluated: 2012-03-30. Review status: no assertion criteria provided. Collection method: research. Allele origin: paternal. Affected: yes. Not counted in ClinVar's aggregate classification.

OMIM
Classification: Pathogenic for ANTERIOR SEGMENT DYSGENESIS 6, PETERS ANOMALY SUBTYPE. Last evaluated: 2001-05-01. Review status: no assertion criteria provided. Collection method: literature only. Allele origin: germline. Not counted in ClinVar's aggregate classification.

Literature cited by the submitters: PubMed 9097971 (cited by Labcorp Genetics (formerly Invitae), Labcorp); PubMed 9497261 (cited by Labcorp Genetics (formerly Invitae), Labcorp); PubMed 19234632 (cited by Labcorp Genetics (formerly Invitae), Labcorp); PubMed 11403040 (cited by 5 submitters); PubMed 12036985 (cited by 3 submitters); PubMed 19643970 (cited by 4 submitters); PubMed 22004014 (cited by 3 submitters); PubMed 23218701 (cited by Labcorp Genetics (formerly Invitae), Labcorp and Illumina Laboratory Services, Illumina); PubMed 23922489 (cited by Labcorp Genetics (formerly Invitae), Labcorp and Illumina Laboratory Services, Illumina); PubMed 24281366 (cited by 3 submitters); PubMed 27820421 (cited by Labcorp Genetics (formerly Invitae), Labcorp); PubMed 32499604 (cited by Eye Genetics Research Group, Children's Medical Research Institute).